The following is an entry in ClinVar:

NM_025132.4(WDR19):c.3183+16A>G

Gene: WDR19 (WD repeat domain 19; plus strand). Cytogenetic location: 4p14.
Variant type: single nucleotide variant.
Coding change: c.3183+16A>G on transcript NM_025132.4 (MANE Select); 16 bases into the intron after coding-DNA position 3183, A replaced by G.
Molecular consequence: intron variant.
Genome position (GRCh38, 1-based): chr4:39,257,570, A>G. VCF-style: chr4-39257570-A-G. GRCh37 (hg19) VCF-style: chr4-39259190-A-G.
Other names: c.2703+16A>G (NM_001317924.2).
Identifiers: ClinVar variation 261862 (VCV000261862.19), dbSNP rs11096987, ClinGen allele CA2892285.
Genomic context (GRCh38, chr4:39,257,570, plus strand): 5'-CCAAGCTCGGAAGATAATGTGGCAATAGAAATGGCAATTGAAACTGTAAGTACGCTTTCA[A>G]TGAAACTTTCAATAATGCCAATTTTTTAAAAAACTTCTTGAAAAAAATTTTAAATATATG-3'

ClinVar aggregate classification (germline): Benign. Review status: criteria provided, multiple submitters, no conflicts (2 of 4 stars). 12 submissions from 9 submitters: Benign (9). 3 of the submissions do not count toward it. Last evaluated 2026-02-04.

Conditions:
Asphyxiating thoracic dystrophy 5 (SRTD5). Also called: SHORT-RIB THORACIC DYSPLASIA 5 WITH OR WITHOUT POLYDACTYLY; SHORT-RIB THORACIC DYSPLASIA 5 WITHOUT POLYDACTYLY. Identifiers: Orphanet 474, MedGen C3280598, MONDO:0013717, OMIM 614376.
Senior-Loken syndrome 8 (SLSN8). Identifiers: Orphanet 3156, MedGen C4225376, MONDO:0014579, OMIM 616307.
Cranioectodermal dysplasia 4 (CED4). Identifiers: Orphanet 1515, MedGen C3280616, MONDO:0013719, OMIM 614378.
Nephronophthisis 13 (NPHP13). Identifiers: Orphanet 655, MedGen C3280612, MONDO:0013718, OMIM 614377.

Allele frequency attached by ClinVar (database versions not stated): 1000 Genomes Project 0.28115; 1000 Genomes Project 30x 0.28248; gnomAD exomes 0.31139; TOPMed 0.32135; ESP Exome Variant Server 0.32515; gnomAD 0.32605 and 0.33074; ExAC 0.37105.
gnomAD v4.1: 499,910 of 1,561,466 alleles (32%); highest among the groups gnomAD compares: African/African-American, 35%; 81,273 homozygotes.

Submissions (12):

Labcorp Genetics (formerly Invitae), Labcorp
Classification: Benign for Senior-Loken syndrome 8; Asphyxiating thoracic dystrophy 5. Last evaluated: 2026-02-04. Review status: criteria provided, single submitter. Criteria: Invitae Variant Classification Sherloc (09022015). Collection method: clinical testing. Allele origin: germline.

Blueprint Genetics
Classification: Benign. Last evaluated: 2024-11-27. Review status: criteria provided, single submitter. Criteria: ACMG Guidelines, 2015. Collection method: clinical testing. Allele origin: germline.

Genome-Nilou Lab
Classification: Benign for Cranioectodermal dysplasia 4. Last evaluated: 2021-12-05. Review status: criteria provided, single submitter. Criteria: ACMG Guidelines, 2015. Collection method: clinical testing. Allele origin: germline. Affected: no.

Genome-Nilou Lab
Classification: Benign for Nephronophthisis 13. Last evaluated: 2021-12-05. Review status: criteria provided, single submitter. Criteria: ACMG Guidelines, 2015. Collection method: clinical testing. Allele origin: germline. Affected: no.

Genome-Nilou Lab
Classification: Benign for Senior-Loken syndrome 8. Last evaluated: 2021-12-05. Review status: criteria provided, single submitter. Criteria: ACMG Guidelines, 2015. Collection method: clinical testing. Allele origin: germline. Affected: no.

Genome-Nilou Lab
Classification: Benign for Asphyxiating thoracic dystrophy 5. Last evaluated: 2021-12-05. Review status: criteria provided, single submitter. Criteria: ACMG Guidelines, 2015. Collection method: clinical testing. Allele origin: germline. Affected: no.

GeneDx
Classification: Benign. Last evaluated: 2017-09-13. Review status: criteria provided, single submitter. Criteria: GeneDx Variant Classification (06012015). Collection method: clinical testing. Allele origin: germline. Affected: yes.
Comment: This variant is considered likely benign or benign based on one or more of the following criteria: it is a conservative change, it occurs at a poorly conserved position in the protein, it is predicted to be benign by multiple in silico algorithms, and/or has population frequency not consistent with disease.

Breakthrough Genomics
Classification: Benign. Review status: criteria provided, single submitter. Criteria: ACMG Guidelines, 2015. Collection method: not provided. Allele origin: germline. Inheritance: Autosomal recessive inheritance. Affected: yes.

PreventionGenetics, part of Exact Sciences
Classification: Benign. Review status: criteria provided, single submitter. Criteria: ACMG Guidelines, 2015. Collection method: clinical testing. Allele origin: germline.

Clinical Genetics DNA and cytogenetics Diagnostics Lab, Erasmus MC, Erasmus Medical Center
Classification: Benign. Review status: no assertion criteria provided. Collection method: clinical testing. Allele origin: germline. Affected: yes. Study: VKGL Data-share Consensus. Not counted in ClinVar's aggregate classification.

Diagnostic Laboratory, Department of Genetics, University Medical Center Groningen
Classification: Benign. Review status: no assertion criteria provided. Collection method: clinical testing. Allele origin: germline. Affected: yes. Study: VKGL Data-share Consensus. Not counted in ClinVar's aggregate classification.

Joint Genome Diagnostic Labs from Nijmegen and Maastricht, Radboudumc and MUMC+
Classification: Benign. Review status: no assertion criteria provided. Collection method: clinical testing. Allele origin: germline. Affected: yes. Study: VKGL Data-share Consensus. Not counted in ClinVar's aggregate classification.